The following is an entry in ClinVar:

ClinVar aggregate classification (germline): Uncertain significance (1 of 4 stars; one submission).

Allele frequency attached by ClinVar (database versions not stated): TOPMed below 0.00001.

Submission:

Labcorp Genetics (formerly Invitae), Labcorp
Classification: Uncertain significance. Last evaluated: 2023-07-19. Review status: criteria provided, single submitter. Criteria: Invitae Variant Classification Sherloc (09022015). Collection method: clinical testing. Allele origin: germline.
Comment: In summary, the available evidence is currently insufficient to determine the role of this variant in disease. Therefore, it has been classified as a Variant of Uncertain Significance. Advanced modeling of protein sequence and biophysical properties (such as structural, functional, and spatial information, amino acid conservation, physicochemical variation, residue mobility, and thermodynamic stability) performed at Invitae indicates that this missense variant is expected to disrupt CFI protein function. This variant has not been reported in the literature in individuals affected with CFI-related conditions. This variant is not present in population databases (gnomAD no frequency). This sequence change replaces serine, which is neutral and polar, with proline, which is neutral and non-polar, at codon 496 of the CFI protein (p.Ser496Pro).

NM_000204.5(CFI):c.1486T>C (p.Ser496Pro)

Gene: CFI (complement factor I; minus strand). Cytogenetic location: 4q25.
Variant type: single nucleotide variant.
Coding change: c.1486T>C on transcript NM_000204.5 (MANE Select); coding-DNA position 1486, T replaced by C.
Protein change: p.Ser496Pro; replaces serine 496 with proline.
Molecular consequence: missense variant. On other transcripts: non-coding transcript variant (3).
Genome position (GRCh38, 1-based): chr4:109,742,539, A>G on the plus strand (T>C on the coding strand, the complement: CFI is on the minus strand). VCF-style: chr4-109742539-A-G. GRCh37 (hg19) VCF-style: chr4-110663695-A-G.
Other names: c.1510T>C, p.Ser504Pro (NM_001318057.2, NM_001375278.1); c.1465T>C, p.Ser489Pro (NM_001331035.2, NM_001375280.1, NM_001375282.1); c.1486T>C, p.Ser496Pro (NM_001375279.1, NM_001375281.1); c.1429T>C, p.Ser477Pro (NM_001375283.1); c.877T>C, p.Ser293Pro (NM_001375284.1); short protein forms S293P, S489P, S504P, S477P, S496P.
Identifiers: ClinVar variation 2745429 (VCV002745429.3), dbSNP rs758942583, ClinGen allele CA357855116.
Genomic context (GRCh38, chr4:109,742,539, plus strand): 5'-CTTGGCACTTACCTGCACATTCCATTTCTTTTTCATAGAAACGATTTCCGTAAAACTTAG[A>G]GCAGTTGCTTATTAGTTTAACTTCACCCCACTGAAGTGAAAAGACTCTTTCGTTATCTAA-3'
Protein context (NP_000195.3, residues 486-506): WGEVKLISNC[Ser496Pro]KFYGNRFYEK